The following is an entry in ClinVar:

ClinVar aggregate classification (germline): Likely benign (1 of 4 stars; one submission).

Allele frequency attached by ClinVar (database versions not stated): gnomAD exomes 0.00056; TOPMed 0.00056; 1000 Genomes Project 30x 0.00062; ESP Exome Variant Server 0.00062; gnomAD 0.00073; 1000 Genomes Project 0.00080; ExAC 0.00089.
gnomAD v4.1: 938 of 1,582,842 alleles (0.059%); highest among the groups gnomAD compares: Middle Eastern, 0.3%; 95 homozygotes.

Submission:

CeGaT Center for Human Genetics Tuebingen
Classification: Likely benign. Last evaluated: 2022-12-01. Review status: criteria provided, single submitter. Criteria: CeGaT Center For Human Genetics Tuebingen Variant Classification Criteria Version 2. Collection method: clinical testing. Allele origin: germline. Affected: yes. Observed: 1 variant allele.
Comment: TRIM48: BP4, BP7, BS2

NM_024114.5(TRIM48):c.300A>G (p.Leu100=)

Gene: TRIM48 (tripartite motif containing 48; plus strand). Cytogenetic location: 11q11.
Variant type: single nucleotide variant.
Coding change: c.300A>G on transcript NM_024114.5 (MANE Select); coding-DNA position 300, A replaced by G.
Protein change: p.Leu100=; no amino-acid change (leucine 100 retained).
Molecular consequence: synonymous variant.
Genome position (GRCh38, 1-based): chr11:55,265,155, A>G. VCF-style: chr11-55265155-A-G. GRCh37 (hg19) VCF-style: chr11-55032631-A-G.
Identifiers: ClinVar variation 2641786 (VCV002641786.24), dbSNP rs143400868, ClinGen allele CA5989345.